The following is an entry in ClinVar:

NM_024426.6(WT1):c.1154G>T (p.Arg385Leu)

Gene: WT1 (WT1 transcription factor; minus strand). Cytogenetic location: 11p13.
Variant type: single nucleotide variant.
Coding change: c.1154G>T on transcript NM_024426.6 (MANE Select); coding-DNA position 1154, G replaced by T.
Protein change: p.Arg385Leu; replaces arginine 385 with leucine.
Molecular consequence: missense variant. On other transcripts: 5 prime UTR variant (1), non-coding transcript variant (1).
Genome position (GRCh38, 1-based): chr11:32,396,367, C>A on the plus strand (G>T on the coding strand, the complement: WT1 is on the minus strand). VCF-style: chr11-32396367-C-A. GRCh37 (hg19) VCF-style: chr11-32417913-C-A.
Other names: c.1103G>T, p.Arg368Leu (NM_000378.6, NM_001407045.1, NM_001407048.1 and 1 more transcripts); c.503G>T, p.Arg168Leu (NM_001198551.2); c.452G>T, p.Arg151Leu (NM_001198552.2); c.-35G>T (NM_001367854.1); c.1148G>T, p.Arg383Leu (NM_001407044.1); c.1154G>T, p.Arg385Leu (NM_001407046.1, NM_024424.5); c.1031G>T, p.Arg344Leu (NM_001407047.1); c.980G>T, p.Arg327Leu (NM_001407050.1); and 3 more; short protein forms R168L, R385L, R151L, R368L, R383L, R363L, R131L, R327L.
Identifiers: ClinVar variation 1420194 (VCV001420194.10), dbSNP rs147241955, ClinGen allele CA379960012.

ClinVar aggregate classification (germline): Uncertain significance. Review status: criteria provided, multiple submitters, no conflicts (2 of 4 stars). 2 submissions from 2 submitters: Uncertain significance (2). Last evaluated 2026-07-20.

Conditions:
Wilms tumor 1 (WT1). Also called: Wilms tumor, somatic. Identifiers: Orphanet 654, MedGen CN033288, MONDO:0008679, OMIM 194070.
11p partial monosomy syndrome (WAGR). Also called: WAGR syndrome; WAGR Complex; CHROMOSOME 11p13 DELETION SYNDROME; WAGR Spectrum Disorder. Identifiers: Orphanet 893, MedGen C0206115, MONDO:0008681, OMIM 194072.
Drash syndrome (DDS). Also called: WILMS TUMOR AND PSEUDO- OR TRUE HERMAPHRODITISM; NEPHROPATHY, WILMS TUMOR, AND GENITAL ANOMALIES. Identifiers: Orphanet 220, MedGen C0950121, MONDO:0008682, OMIM 194080.
Frasier syndrome. Identifiers: Orphanet 347, MedGen C0950122, MeSH D052159, MONDO:0007635, OMIM 136680.
Inborn genetic diseases. Identifiers: MedGen C0950123, MeSH D030342.

Submissions (2):

Ambry Genetics
Classification: Uncertain significance for Inborn genetic diseases. Last evaluated: 2026-07-20. Review status: criteria provided, single submitter. Criteria: Ambry Variant Classification Scheme 2023. Collection method: clinical testing. Allele origin: germline.
Comment: The p.R380L variant (also known as c.1139G>T), located in coding exon 7 of the WT1 gene, results from a G to T substitution at nucleotide position 1139. The arginine at codon 380 is replaced by leucine, an amino acid with dissimilar properties. This amino acid position is well conserved in available vertebrate species. In addition, the in silico prediction for this alteration is inconclusive. Based on the available evidence, the clinical significance of this variant remains unclear.

Labcorp Genetics (formerly Invitae), Labcorp
Classification: Uncertain significance for Wilms tumor 1; Drash syndrome; 11p partial monosomy syndrome; Frasier syndrome. Last evaluated: 2021-05-02. Review status: criteria provided, single submitter. Criteria: Invitae Variant Classification Sherloc (09022015). Collection method: clinical testing. Allele origin: germline.
Comment: In summary, the available evidence is currently insufficient to determine the role of this variant in disease. Therefore, it has been classified as a Variant of Uncertain Significance. Algorithms developed to predict the effect of missense changes on protein structure and function (SIFT, PolyPhen-2, Align-GVGD) all suggest that this variant is likely to be disruptive, but these predictions have not been confirmed by published functional studies and their clinical significance is uncertain. This variant has not been reported in the literature in individuals with WT1-related conditions. This variant is not present in population databases (ExAC no frequency). This sequence change replaces arginine with leucine at codon 380 of the WT1 protein (p.Arg380Leu). The arginine residue is highly conserved and there is a moderate physicochemical difference between arginine and leucine.